The following is an entry in ClinVar:

NM_004186.5(SEMA3F):c.861G>A (p.Pro287=)

Gene: SEMA3F (semaphorin 3F; plus strand). Cytogenetic location: 3p21.31.
Variant type: single nucleotide variant.
Coding change: c.861G>A on transcript NM_004186.5 (MANE Select); coding-DNA position 861, G replaced by A.
Protein change: p.Pro287=; no amino-acid change (proline 287 retained).
Molecular consequence: synonymous variant.
Genome position (GRCh38, 1-based): chr3:50,182,741, G>A. VCF-style: chr3-50182741-G-A. GRCh37 (hg19) VCF-style: chr3-50220174-G-A.
Other names: c.564G>A, p.Pro188= (NM_001318798.2); c.768G>A, p.Pro256= (NM_001318800.2).
Identifiers: ClinVar variation 3352148 (VCV003352148.1).

ClinVar aggregate classification (germline): Likely benign (0 of 4 stars; one submission).

Conditions:
SEMA3F-related disorder. Also called: SEMA3F-related condition.

gnomAD v4.1: 137 of 1,613,232 alleles (0.0085%); highest among the groups gnomAD compares: East Asian, 0.22%; 1 homozygote.

Submission:

PreventionGenetics, part of Exact Sciences
Classification: Likely benign for SEMA3F-related condition. Last evaluated: 2023-07-18. Review status: no assertion criteria provided. Collection method: clinical testing. Allele origin: germline.
Comment: This variant is classified as likely benign based on ACMG/AMP sequence variant interpretation guidelines (Richards et al. 2015 PMID: 25741868, with internal and published modifications).